The following is an entry in ClinVar:

ClinVar aggregate classification (germline): Uncertain significance (1 of 4 stars; one submission).

Conditions:
Autosomal dominant childhood-onset proximal spinal muscular atrophy with contractures (SMALED2A). Also called: SPINAL MUSCULAR ATROPHY, LOWER EXTREMITY-PREDOMINANT, 2A, CHILDHOOD ONSET, AUTOSOMAL DOMINANT; Spinal muscular atrophy, lower extremity-predominant, 2A, autosomal dominant. Identifiers: Orphanet 363447, Orphanet 363454, MedGen C4747715, MONDO:0014121, OMIM 615290.

Submission:

Labcorp Genetics (formerly Invitae), Labcorp
Classification: Uncertain significance for Autosomal dominant childhood-onset proximal spinal muscular atrophy with contractures. Last evaluated: 2023-04-14. Review status: criteria provided, single submitter. Criteria: Invitae Variant Classification Sherloc (09022015). Collection method: clinical testing. Allele origin: germline.
Comment: Advanced modeling of protein sequence and biophysical properties (such as structural, functional, and spatial information, amino acid conservation, physicochemical variation, residue mobility, and thermodynamic stability) performed at Invitae indicates that this missense variant is expected to disrupt BICD2 protein function. In summary, the available evidence is currently insufficient to determine the role of this variant in disease. Therefore, it has been classified as a Variant of Uncertain Significance. ClinVar contains an entry for this variant (Variation ID: 660756). This variant has not been reported in the literature in individuals affected with BICD2-related conditions. This variant is not present in population databases (gnomAD no frequency). This sequence change replaces threonine, which is neutral and polar, with alanine, which is neutral and non-polar, at codon 777 of the BICD2 protein (p.Thr777Ala).

NM_001003800.2(BICD2):c.2329A>G (p.Thr777Ala)

Gene: BICD2 (BICD cargo adaptor 2; minus strand). Cytogenetic location: 9q22.31.
Variant type: single nucleotide variant.
Coding change: c.2329A>G on transcript NM_001003800.2 (MANE Select); coding-DNA position 2329, A replaced by G.
Protein change: p.Thr777Ala; replaces threonine 777 with alanine.
Molecular consequence: missense variant.
Genome position (GRCh38, 1-based): chr9:92,715,393, T>C on the plus strand (A>G on the coding strand, the complement: BICD2 is on the minus strand). VCF-style: chr9-92715393-T-C. GRCh37 (hg19) VCF-style: chr9-95477675-T-C.
Other names: c.2329A>G, p.Thr777Ala (NM_015250.4); short protein forms T777A.
Identifiers: ClinVar variation 660756 (VCV000660756.7), dbSNP rs1587666004, ClinGen allele CA374030430.